The following is an entry in ClinVar:

ClinVar aggregate classification (germline): Uncertain significance (1 of 4 stars; one submission).

Conditions:
Infantile spasms. Also called: Infantile spasm. Identifiers: MedGen C3887898, HP:0012469.

Submission:

Labcorp Genetics (formerly Invitae), Labcorp
Classification: Uncertain significance for Infantile spasms. Last evaluated: 2022-08-11. Review status: criteria provided, single submitter. Criteria: Invitae Variant Classification Sherloc (09022015). Collection method: clinical testing. Allele origin: germline.
Comment: This variant has not been reported in the literature in individuals affected with PIK3AP1-related conditions. In summary, the available evidence is currently insufficient to determine the role of this variant in disease. Therefore, it has been classified as a Variant of Uncertain Significance. Algorithms developed to predict the effect of missense changes on protein structure and function (SIFT, PolyPhen-2, Align-GVGD) all suggest that this variant is likely to be tolerated. This variant is not present in population databases (gnomAD no frequency). This sequence change replaces valine, which is neutral and non-polar, with glutamic acid, which is acidic and polar, at codon 254 of the PIK3AP1 protein (p.Val254Glu).

NM_152309.3(PIK3AP1):c.761T>A (p.Val254Glu)

Gene: PIK3AP1 (phosphoinositide-3-kinase adaptor protein 1; minus strand). Cytogenetic location: 10q24.1.
Variant type: single nucleotide variant.
Coding change: c.761T>A on transcript NM_152309.3 (MANE Select); coding-DNA position 761, T replaced by A.
Protein change: p.Val254Glu; replaces valine 254 with glutamic acid.
Molecular consequence: missense variant.
Genome position (GRCh38, 1-based): chr10:96,651,603, A>T on the plus strand (T>A on the coding strand, the complement: PIK3AP1 is on the minus strand). VCF-style: chr10-96651603-A-T. GRCh37 (hg19) VCF-style: chr10-98411360-A-T.
Other names: short protein forms V254E.
Identifiers: ClinVar variation 1716130 (VCV001716130.5), dbSNP rs2493701973, ClinGen allele CA377747388.